The following is an entry in ClinVar:

ClinVar aggregate classification (germline): Likely benign. Review status: criteria provided, multiple submitters, no conflicts (2 of 4 stars). 4 submissions from 3 submitters: Likely benign (4). Last evaluated 2025-12-05.

Conditions:
Autosomal dominant nocturnal frontal lobe epilepsy 5. Also called: Epilepsy, nocturnal frontal lobe, 5; CILIARY DYSKINESIA, PRIMARY, 28, WITHOUT SITUS INVERSUS; CILIARY DYSKINESIA, PRIMARY, 28, WITH SITUS INVERSUS; KCNT1-Related Epilepsy. Identifiers: Orphanet 98784, MedGen C3554306, MONDO:0014002, OMIM 615005.
Developmental and epileptic encephalopathy, 14 (DEE14). Also called: Early infantile epileptic encephalopathy 14. Identifiers: Orphanet 293181, MedGen C3554195, MONDO:0013989, OMIM 614959.

Allele frequency attached by ClinVar (database versions not stated): gnomAD 0.00003; gnomAD exomes 0.00004; ExAC 0.00005; TOPMed 0.00007.
gnomAD v4.1: 83 of 1,546,230 alleles (0.0054%); highest among the groups gnomAD compares: African/African-American, 0.0095%; no homozygotes.

Submissions (4):

Labcorp Genetics (formerly Invitae), Labcorp
Classification: Likely benign for Autosomal dominant nocturnal frontal lobe epilepsy 5; Developmental and epileptic encephalopathy, 14. Last evaluated: 2025-12-05. Review status: criteria provided, single submitter. Criteria: Invitae Variant Classification Sherloc (09022015). Collection method: clinical testing. Allele origin: germline.

Genome-Nilou Lab
Classification: Likely benign for Developmental and epileptic encephalopathy, 14. Last evaluated: 2022-03-15. Review status: criteria provided, single submitter. Criteria: ACMG Guidelines, 2015. Collection method: clinical testing. Allele origin: germline. Affected: no.

Genome-Nilou Lab
Classification: Likely benign for Autosomal dominant nocturnal frontal lobe epilepsy 5. Last evaluated: 2022-03-15. Review status: criteria provided, single submitter. Criteria: ACMG Guidelines, 2015. Collection method: clinical testing. Allele origin: germline. Affected: no.

GeneDx
Classification: Likely benign. Last evaluated: 2017-04-07. Review status: criteria provided, single submitter. Criteria: GeneDx Variant Classification (06012015). Collection method: clinical testing. Allele origin: germline. Affected: yes.
Comment: This variant is considered likely benign or benign based on one or more of the following criteria: it is a conservative change, it occurs at a poorly conserved position in the protein, it is predicted to be benign by multiple in silico algorithms, and/or has population frequency not consistent with disease.

NM_020822.3(KCNT1):c.2841+18G>A

Gene: KCNT1 (potassium sodium-activated channel subfamily T member 1; plus strand). Cytogenetic location: 9q34.3.
Variant type: single nucleotide variant.
Coding change: c.2841+18G>A on transcript NM_020822.3 (MANE Select); 18 bases into the intron after coding-DNA position 2841, G replaced by A.
Molecular consequence: intron variant.
Genome position (GRCh38, 1-based): chr9:135,779,488, G>A. VCF-style: chr9-135779488-G-A. GRCh37 (hg19) VCF-style: chr9-138671334-G-A.
Other names: c.2706+18G>A (NM_001272003.2).
Identifiers: ClinVar variation 508482 (VCV000508482.10), dbSNP rs763792397, ClinGen allele CA5327458.